The following is an entry in ClinVar:

NM_005560.6(LAMA5):c.3633C>T (p.Gly1211=)

Gene: LAMA5 (laminin subunit alpha 5; minus strand). Cytogenetic location: 20q13.33.
Variant type: single nucleotide variant.
Coding change: c.3633C>T on transcript NM_005560.6 (MANE Select); coding-DNA position 3633, C replaced by T.
Protein change: p.Gly1211=; no amino-acid change (glycine 1211 retained).
Molecular consequence: synonymous variant.
Genome position (GRCh38, 1-based): chr20:62,331,049, G>A on the plus strand (C>T on the coding strand, the complement: LAMA5 is on the minus strand). VCF-style: chr20-62331049-G-A. GRCh37 (hg19) VCF-style: chr20-60906105-G-A.
Other names: c.3633C>T (NM_005560.4).
Identifiers: ClinVar variation 2079290 (VCV002079290.5), dbSNP rs144409622, ClinGen allele CA9942914.
Genomic context (GRCh38, chr20:62,331,049, plus strand): 5'-GGCCCTCGGCCGCGCCCCTCCCAGCCCCATTACCTGCCATTACCTGTTGGGGCCAAAGGC[G>A]CCGTGGCTGCTGATGCAGCTGACCCGGGGCTCCACGAACTCCGGGCTGAACTCCTCAATG-3'
Protein context (NP_005551.3, residues 1201-1221): EPRVSCISSH[Gly1211=]AFGPNSAACL

ClinVar aggregate classification (germline): Likely benign. Review status: criteria provided, single submitter (1 of 4 stars). 2 submissions from 2 submitters: Likely benign (1). 1 of the submissions does not count toward it. Last evaluated 2025-06-12.

Conditions:
LAMA5-related disorder. Also called: LAMA5-Related Disorders; LAMA5-related condition.

Allele frequency attached by ClinVar (database versions not stated): gnomAD exomes 0.00005; ExAC 0.00016; 1000 Genomes Project 0.00020; 1000 Genomes Project 30x 0.00031; ESP Exome Variant Server 0.00069.
gnomAD v4.1: 144 of 1,600,938 alleles (0.009%); highest among the groups gnomAD compares: African/African-American, 0.15%; no homozygotes.

Submissions (2):

Labcorp Genetics (formerly Invitae), Labcorp
Classification: Likely benign. Last evaluated: 2025-06-12. Review status: criteria provided, single submitter. Criteria: Invitae Variant Classification Sherloc (09022015). Collection method: clinical testing. Allele origin: germline.

PreventionGenetics, part of Exact Sciences
Classification: Likely benign for LAMA5-related condition. Last evaluated: 2024-04-23. Review status: no assertion criteria provided. Collection method: clinical testing. Allele origin: germline. Not counted in ClinVar's aggregate classification.
Comment: This variant is classified as likely benign based on ACMG/AMP sequence variant interpretation guidelines (Richards et al. 2015 PMID: 25741868, with internal and published modifications).